The following is an entry in ClinVar:

ClinVar aggregate classification (germline): Uncertain significance (1 of 4 stars; one submission).

Conditions:
AMER1-related disorder. Also called: AMER1-related condition.

Allele frequency attached by ClinVar (database versions not stated): gnomAD exomes below 0.00001.
gnomAD v4.1: 5 of 1,211,379 alleles (0.00041%); highest among the groups gnomAD compares: Non-Finnish European, 0.00034%; no homozygotes.

Submission:

PreventionGenetics, part of Exact Sciences
Classification: Uncertain significance for AMER1-related condition. Last evaluated: 2022-09-28. Review status: criteria provided, single submitter. Criteria: ACMG Guidelines, 2015. Collection method: clinical testing. Allele origin: germline.
Comment: The AMER1 c.2891G>C variant is predicted to result in the amino acid substitution p.Cys964Ser. To our knowledge, this variant has not been reported in the literature. This variant is reported in 0.0012% of alleles in individuals of European (Non-Finnish) descent in gnomAD. At this time, the clinical significance of this variant is uncertain due to the absence of conclusive functional and genetic evidence.

NM_152424.4(AMER1):c.2891G>C (p.Cys964Ser)

Gene: AMER1 (APC membrane recruitment protein 1; minus strand). Cytogenetic location: Xq11.2.
Variant type: single nucleotide variant.
Coding change: c.2891G>C on transcript NM_152424.4 (MANE Select); coding-DNA position 2891, G replaced by C.
Protein change: p.Cys964Ser; replaces cysteine 964 with serine.
Molecular consequence: missense variant.
Genome position (GRCh38, 1-based): chrX:64,190,396, C>G on the plus strand (G>C on the coding strand, the complement: AMER1 is on the minus strand). VCF-style: chrX-64190396-C-G. GRCh37 (hg19) VCF-style: chrX-63410276-C-G.
Other names: short protein forms C964S.
Identifiers: ClinVar variation 2637136 (VCV002637136.1), dbSNP rs1351220217, ClinGen allele CA413301951.
Genomic context (GRCh38, chrX:64,190,396, plus strand): 5'-GAAGGCCTGTCCAACTGGTTGGGGCTTATCCAGGCAGGACCTGGCCCCACTGGAAGAGGA[C>G]AGGGAGCCCAAGCAGGCCAATCATAGGCCCCTGGGGGTTCAGTATAGAGGGAAAGGGGAC-3'
Protein context (NP_689637.3, residues 954-974): GAYDWPAWAP[Cys964Ser]PLPVGPGPAW